The following is an entry in ClinVar:

ClinVar aggregate classification (germline): Likely benign. Review status: criteria provided, single submitter (1 of 4 stars). 2 submissions from 2 submitters: Likely benign (1). 1 of the submissions does not count toward it. Last evaluated 2024-07-05.

Conditions:
PAX3-related disorder. Also called: PAX3-related condition.

Allele frequency attached by ClinVar (database versions not stated): gnomAD 0.00015 and 0.00016; TOPMed 0.00018; gnomAD exomes 0.00009; ExAC 0.00018; 1000 Genomes Project 30x 0.00031; ESP Exome Variant Server 0.00023; 1000 Genomes Project 0.00040.
gnomAD v4.1: 151 of 1,603,360 alleles (0.0094%); highest among the groups gnomAD compares: African/African-American, 0.039%; no homozygotes.

Submissions (2):

Labcorp Genetics (formerly Invitae), Labcorp
Classification: Likely benign. Last evaluated: 2024-07-05. Review status: criteria provided, single submitter. Criteria: Invitae Variant Classification Sherloc (09022015). Collection method: clinical testing. Allele origin: germline.

PreventionGenetics, part of Exact Sciences
Classification: Likely benign for PAX3-related condition. Last evaluated: 2019-09-06. Review status: no assertion criteria provided. Collection method: clinical testing. Allele origin: germline. Not counted in ClinVar's aggregate classification.
Comment: This variant is classified as likely benign based on ACMG/AMP sequence variant interpretation guidelines (Richards et al. 2015 PMID: 25741868, with internal and published modifications).

NM_181458.4(PAX3):c.1197C>T (p.His399=)

Gene: PAX3 (paired box 3; minus strand). Cytogenetic location: 2q36.1.
Variant type: single nucleotide variant.
Coding change: c.1197C>T on transcript NM_181458.4 (MANE Select); coding-DNA position 1197, C replaced by T.
Protein change: p.His399=; no amino-acid change (histidine 399 retained).
Molecular consequence: synonymous variant. On other transcripts: intron variant (2).
Genome position (GRCh38, 1-based): chr2:222,202,167, G>A on the plus strand (C>T on the coding strand, the complement: PAX3 is on the minus strand). VCF-style: chr2-222202167-G-A. GRCh37 (hg19) VCF-style: chr2-223066886-G-A.
Other names: c.1194C>T, p.His398= (NM_001127366.3); c.1197C>T, p.His399= (NM_181457.4, NM_181459.4); c.1174-725C>T (NM_181460.4, NM_181461.4).
Identifiers: ClinVar variation 723893 (VCV000723893.10), dbSNP rs377508524, ClinGen allele CA2135466.